The following is an entry in ClinVar:

NM_031407.7(HUWE1):c.5226C>T (p.Ile1742=)

Gene: HUWE1 (HECT, UBA and WWE domain containing E3 ubiquitin protein ligase 1; minus strand). Cytogenetic location: Xp11.22.
Variant type: single nucleotide variant.
Coding change: c.5226C>T on transcript NM_031407.7 (MANE Select); coding-DNA position 5226, C replaced by T.
Protein change: p.Ile1742=; no amino-acid change (isoleucine 1742 retained).
Molecular consequence: synonymous variant.
Genome position (GRCh38, 1-based): chrX:53,583,852, G>A on the plus strand (C>T on the coding strand, the complement: HUWE1 is on the minus strand). VCF-style: chrX-53583852-G-A. GRCh37 (hg19) VCF-style: chrX-53610812-G-A.
Identifiers: ClinVar variation 2178161 (VCV002178161.10), dbSNP rs185657233, ClinGen allele CA10422277.

ClinVar aggregate classification (germline): Benign/Likely benign. Review status: criteria provided, multiple submitters, no conflicts (2 of 4 stars). 2 submissions from 2 submitters: Benign (1); Likely benign (1). Last evaluated 2025-11-01.

Allele frequency attached by ClinVar (database versions not stated): ExAC 0.00003; gnomAD 0.00014; TOPMed 0.00014; 1000 Genomes Project 30x 0.00021; 1000 Genomes Project 0.00026.
gnomAD v4.1: 35 of 1,207,469 alleles (0.0029%); highest among the groups gnomAD compares: African/African-American, 0.033%; no homozygotes.

Submissions (2):

CeGaT Center for Human Genetics Tuebingen
Classification: Likely benign. Last evaluated: 2025-11-01. Review status: criteria provided, single submitter. Criteria: CeGaT Center For Human Genetics Tuebingen Variant Classification Criteria Version 2. Collection method: clinical testing. Allele origin: germline. Affected: yes. Observed: 1 variant allele.
Comment: HUWE1: BP4, BP7, BS2

Labcorp Genetics (formerly Invitae), Labcorp
Classification: Benign. Last evaluated: 2024-05-27. Review status: criteria provided, single submitter. Criteria: Invitae Variant Classification Sherloc (09022015). Collection method: clinical testing. Allele origin: germline.